The following is an entry in ClinVar:

NM_001134363.3(RBM20):c.2869C>G (p.Leu957Val)

Gene: RBM20 (RNA binding motif protein 20; plus strand). Cytogenetic location: 10q25.2.
Variant type: single nucleotide variant.
Coding change: c.2869C>G on transcript NM_001134363.3 (MANE Select); coding-DNA position 2869, C replaced by G.
Protein change: p.Leu957Val; replaces leucine 957 with valine.
Molecular consequence: missense variant.
Genome position (GRCh38, 1-based): chr10:110,821,488, C>G. VCF-style: chr10-110821488-C-G. GRCh37 (hg19) VCF-style: chr10-112581246-C-G.
Other names: p.L957V:CTG>GTG; c.2869C>G (LRG_382t1); short protein forms L957V.
Identifiers: ClinVar variation 202050 (VCV000202050.1), dbSNP rs794729141, ClinGen allele CA335524.

ClinVar aggregate classification (germline): Likely benign (1 of 4 stars; one submission).

Submission:

GeneDx
Classification: Likely benign. Last evaluated: 2014-05-02. Review status: criteria provided, single submitter. Criteria: GeneDx Variant Classification (06012015). Collection method: clinical testing. Allele origin: germline. Affected: yes.
Comment: This variant is considered likely benign or benign based on one or more of the following criteria: it is a conservative change, it occurs at a poorly conserved position in the protein, it is predicted to be benign by multiple in silico algorithms, and/or has population frequency not consistent with disease.